The following is an entry in ClinVar:

ClinVar aggregate classification (germline): Likely benign (1 of 4 stars; one submission).

Allele frequency attached by ClinVar (database versions not stated): gnomAD exomes 0.00010; ExAC 0.00030; gnomAD 0.00080; 1000 Genomes Project 0.00160; 1000 Genomes Project 30x 0.00172.
gnomAD v4.1: 269 of 1,583,658 alleles (0.017%); highest among the groups gnomAD compares: African/African-American, 0.18%; 16 homozygotes.

Submission:

CeGaT Center for Human Genetics Tuebingen
Classification: Likely benign. Last evaluated: 2024-04-01. Review status: criteria provided, single submitter. Criteria: CeGaT Center For Human Genetics Tuebingen Variant Classification Criteria Version 2. Collection method: clinical testing. Allele origin: germline. Affected: yes. Observed: 1 variant allele.
Comment: AHNAK2: BP4, BP7, BS2

NM_138420.4(AHNAK2):c.4608C>G (p.Leu1536=)

Gene: AHNAK2 (AHNAK nucleoprotein 2; minus strand). Cytogenetic location: 14q32.33.
Variant type: single nucleotide variant.
Coding change: c.4608C>G on transcript NM_138420.4 (MANE Select); coding-DNA position 4608, C replaced by G.
Protein change: p.Leu1536=; no amino-acid change (leucine 1536 retained).
Molecular consequence: synonymous variant.
Genome position (GRCh38, 1-based): chr14:104,950,843, G>C on the plus strand (C>G on the coding strand, the complement: AHNAK2 is on the minus strand). VCF-style: chr14-104950843-G-C. GRCh37 (hg19) VCF-style: chr14-105417180-G-C.
Other names: c.4308C>G, p.Leu1436= (NM_001350929.2).
Identifiers: ClinVar variation 3234212 (VCV003234212.20), dbSNP rs201828332, ClinGen allele CA7382337.